The following is an entry in ClinVar:

NM_014956.5(CEP164):c.3638C>T (p.Ser1213Phe)

Gene: CEP164 (centrosomal protein 164; plus strand). Cytogenetic location: 11q23.3.
Variant type: single nucleotide variant.
Coding change: c.3638C>T on transcript NM_014956.5 (MANE Select); coding-DNA position 3638, C replaced by T.
Protein change: p.Ser1213Phe; replaces serine 1213 with phenylalanine.
Molecular consequence: missense variant.
Genome position (GRCh38, 1-based): chr11:117,408,918, C>T. VCF-style: chr11-117408918-C-T. GRCh37 (hg19) VCF-style: chr11-117279634-C-T.
Other names: c.3647C>T, p.Ser1216Phe (NM_001271933.2); short protein forms S1213F, S1216F.
Identifiers: ClinVar variation 940313 (VCV000940313.10), dbSNP rs2047007327, ClinGen allele CA382741940.

ClinVar aggregate classification (germline): Uncertain significance. Review status: criteria provided, multiple submitters, no conflicts (2 of 4 stars). 3 submissions from 3 submitters: Uncertain significance (3). Last evaluated 2026-06-30.

Conditions:
CEP164-related disorder. Also called: CEP164-related condition.
Nephronophthisis 15 (NPHP15). Identifiers: Orphanet 3156, MedGen C3541853, MONDO:0013917, OMIM 614845.

Allele frequency attached by ClinVar (database versions not stated): gnomAD exomes below 0.00001; TOPMed 0.00001.
gnomAD v4.1: 4 of 1,614,086 alleles (0.00025%); highest among the groups gnomAD compares: Non-Finnish European, 0.00034%; no homozygotes.

Submissions (3):

PreventionGenetics, part of Exact Sciences
Classification: Uncertain significance for CEP164-related condition. Last evaluated: 2026-06-30. Review status: criteria provided, single submitter. Criteria: ACMG Guidelines, 2015. Collection method: clinical testing. Allele origin: germline.
Comment: The CEP164 c.3638C>T variant is predicted to result in the amino acid substitution p.Ser1213Phe. To our knowledge, this variant has not been reported in the literature or in a large population database (gnomAD), indicating this variant is rare. At this time, the clinical significance of this variant is uncertain due to the absence of conclusive functional and genetic evidence.

Labcorp Genetics (formerly Invitae), Labcorp
Classification: Uncertain significance for Nephronophthisis 15. Last evaluated: 2024-10-29. Review status: criteria provided, single submitter. Criteria: Invitae Variant Classification Sherloc (09022015). Collection method: clinical testing. Allele origin: germline.
Comment: This sequence change replaces serine, which is neutral and polar, with phenylalanine, which is neutral and non-polar, at codon 1213 of the CEP164 protein (p.Ser1213Phe). This variant is not present in population databases (gnomAD no frequency). This variant has not been reported in the literature in individuals affected with CEP164-related conditions. ClinVar contains an entry for this variant (Variation ID: 940313). Invitae Evidence Modeling of protein sequence and biophysical properties (such as structural, functional, and spatial information, amino acid conservation, physicochemical variation, residue mobility, and thermodynamic stability) indicates that this missense variant is not expected to disrupt CEP164 protein function with a negative predictive value of 80%. In summary, the available evidence is currently insufficient to determine the role of this variant in disease. Therefore, it has been classified as a Variant of Uncertain Significance.

Fulgent Genetics
Classification: Uncertain significance for Nephronophthisis 15. Last evaluated: 2024-02-29. Review status: criteria provided, single submitter. Criteria: ACMG Guidelines, 2015. Collection method: clinical testing. Allele origin: germline.